The following is an entry in ClinVar:

ClinVar aggregate classification (germline): Uncertain significance (1 of 4 stars; one submission).

Conditions:
Chédiak-Higashi syndrome (CHS). Also called: Chediak-Higashi Syndrome. Identifiers: Orphanet 167, MedGen C0007965, MONDO:0008963, OMIM 214500.

Submission:

Labcorp Genetics (formerly Invitae), Labcorp
Classification: Uncertain significance for ChÃ©diak-Higashi syndrome. Last evaluated: 2019-09-10. Review status: criteria provided, single submitter. Criteria: Invitae Variant Classification Sherloc (09022015). Collection method: clinical testing. Allele origin: germline.
Comment: This sequence change replaces glycine with aspartic acid at codon 49 of the LYST protein (p.Gly49Asp). The glycine residue is moderately conserved and there is a moderate physicochemical difference between glycine and aspartic acid. This variant is not present in population databases (ExAC no frequency). This variant has not been reported in the literature in individuals with LYST-related conditions. Algorithms developed to predict the effect of missense changes on protein structure and function are either unavailable or do not agree on the potential impact of this missense change (SIFT: "Deleterious"; PolyPhen-2: "Probably Damaging"; Align-GVGD: "Class C0"). In summary, the available evidence is currently insufficient to determine the role of this variant in disease. Therefore, it has been classified as a Variant of Uncertain Significance.

NM_000081.4(LYST):c.146G>A (p.Gly49Asp)

Gene: LYST (lysosomal trafficking regulator; minus strand). Cytogenetic location: 1q42.3.
Variant type: single nucleotide variant.
Coding change: c.146G>A on transcript NM_000081.4 (MANE Select); coding-DNA position 146, G replaced by A.
Protein change: p.Gly49Asp; replaces glycine 49 with aspartic acid.
Molecular consequence: missense variant. On other transcripts: non-coding transcript variant (1).
Genome position (GRCh38, 1-based): chr1:235,830,272, C>T on the plus strand (G>A on the coding strand, the complement: LYST is on the minus strand). VCF-style: chr1-235830272-C-T. GRCh37 (hg19) VCF-style: chr1-235993572-C-T.
Other names: c.146G>A, p.Gly49Asp (NM_001301365.1); short protein forms G49D.
Identifiers: ClinVar variation 959277 (VCV000959277.1), dbSNP rs2527300575, ClinGen allele CA344968708.